The following is an entry in ClinVar:

ClinVar aggregate classification (germline): Uncertain significance (1 of 4 stars; one submission).

Conditions:
RPH3A-related condition.

gnomAD v4.1: 534 of 1,313,204 alleles (0.041%); highest among the groups gnomAD compares: Non-Finnish European, 0.052%; no homozygotes.

Submission:

PreventionGenetics, part of Exact Sciences
Classification: Uncertain significance for RPH3A-related condition. Last evaluated: 2025-09-28. Review status: criteria provided, single submitter. Criteria: ACMG Guidelines, 2015. Collection method: clinical testing. Allele origin: germline.
Comment: The RPH3A c.83+4A>G variant is predicted to interfere with splicing. This variant is predicted to alter splicing based on available splicing prediction software (SpliceAI, Jaganathan et al. 2019. PubMed ID: 30661751). However, the use of computer prediction softwares is not equivalent to functional evidence. To our knowledge, this variant has not been reported in the literature. This variant is reported in 0.039% of alleles in individuals of European (Non-Finnish) descent in gnomAD. At this time, the clinical significance of this variant is uncertain due to the absence of conclusive functional and genetic evidence.

NM_001143854.2(RPH3A):c.83+4A>G

Gene: RPH3A (rabphilin 3A; plus strand). Cytogenetic location: 12q24.13.
Variant type: single nucleotide variant.
Coding change: c.83+4A>G on transcript NM_001143854.2 (MANE Select); 4 bases into the intron after coding-DNA position 83, A replaced by G.
Molecular consequence: intron variant.
Genome position (GRCh38, 1-based): chr12:112,836,506, A>G. VCF-style: chr12-112836506-A-G. GRCh37 (hg19) VCF-style: chr12-113274311-A-G.
Other names: c.83+4A>G (NM_001347952.2, NM_001347953.1, NM_001347954.2); c.71+8117A>G (NM_014954.4); c.-119+4A>G (NM_001347955.2).
Identifiers: ClinVar variation 4989982 (VCV004989982.1).